The following is an entry in ClinVar:

NC_000005.10:g.(?_177280545)_(177283948_?)del

Gene: NSD1 (nuclear receptor binding SET domain protein 1; plus strand). Cytogenetic location: 5q35.3.
Variant type: Deletion.
Identifiers: ClinVar variation 453988 (VCV000453988.9).

ClinVar aggregate classification (germline): Pathogenic. Review status: criteria provided, single submitter (1 of 4 stars). 2 submissions from 1 submitter: Pathogenic (2). Last evaluated 2021-08-12.

Conditions:
Sotos syndrome (SOTOS). Also called: CEREBRAL GIGANTISM; Sotos' syndrome; Distinctive facial appearance, overgrowth in childhood, and learning disabilities or delayed development; CHROMOSOME 5q35 DELETION SYNDROME; SOTOS SYNDROME 1. Identifiers: Orphanet 821, MedGen C0175695, MONDO:0019349, OMIM 117550.
Beckwith-Wiedemann syndrome (BWS). Also called: Exomphalos macroglossia gigantism syndrome; EMG SYNDROME. Identifiers: Orphanet 116, MedGen C0004903, MONDO:0007534, OMIM 130650.

Submissions (2):

Labcorp Genetics (formerly Invitae), Labcorp
Classification: Pathogenic. Last evaluated: 2021-08-12. Review status: criteria provided, single submitter. Criteria: Invitae Variant Classification Sherloc (09022015). Collection method: clinical testing. Allele origin: germline.
Comment: This variant is a gross deletion of the genomic region encompassing exon(s) 18-20 of the NSD1 gene. This deletion is out-of-frame, and is expected to create a premature termination codon and result in an absent or disrupted protein product. Loss-of-function variants in NSD1 are known to be pathogenic (PMID: 12464997, 14571271, 15942875, 16247291). This variant has not been reported in the literature in individuals affected with NSD1-related conditions. For these reasons, this variant has been classified as Pathogenic.

Labcorp Genetics (formerly Invitae), Labcorp
Classification: Pathogenic for Beckwith-Wiedemann syndrome. Last evaluated: 2017-06-29. Review status: criteria provided, single submitter. Criteria: Invitae Variant Classification Sherloc (09022015). Collection method: clinical testing. Allele origin: germline.
Comment: This variant is an out-of-frame deletion of the genomic region encompassing exons 18-20 of the NSD1 gene. This creates a premature translational stop signal and is expected to result in an absent or disrupted protein product. This variant has not been reported in the literature in individuals with NSD1-related disease. Loss-of-function variants in NSD1 are known to be pathogenic (PMID: Â¬â€ 12807965, 15942875, 17565729). For these reasons, this variant has been classified as Pathogenic.

Literature cited by the submitters: PubMed 12464997; PubMed 14571271; PubMed 15942875; PubMed 16247291.